The following is an entry in ClinVar:

NM_001875.5(CPS1):c.236+265G>A

Gene: CPS1 (carbamoyl-phosphate synthase 1; plus strand). Cytogenetic location: 2q34.
Variant type: single nucleotide variant.
Coding change: c.236+265G>A on transcript NM_001875.5 (MANE Select); 265 bases into the intron after coding-DNA position 236, G replaced by A.
Molecular consequence: intron variant.
Genome position (GRCh38, 1-based): chr2:210,573,672, G>A. VCF-style: chr2-210573672-G-A. GRCh37 (hg19) VCF-style: chr2-211438396-G-A.
Other names: c.236+265G>A (NM_001369257.1, NM_001122633.3); c.269+265G>A (NM_001369256.1).
Identifiers: ClinVar variation 683611 (VCV000683611.1), dbSNP rs7573258, ClinGen allele CA11096724.
Genomic context (GRCh38, chr2:210,573,672, plus strand): 5'-AACATGGGCACACTGGTGGTCCCCTGGATAAAAAGAACAAAATGAATTCTAGAAACTTAG[G>A]TTGTGAGGACACAGGTTATGTGAGATTACCAAATGGTTTCTGTAAGGGGAGGTATGGGTC-3'

ClinVar aggregate classification (germline): Benign (1 of 4 stars; one submission).

Allele frequency attached by ClinVar (database versions not stated): TOPMed 0.61869; gnomAD 0.62113; 1000 Genomes Project 0.62440; 1000 Genomes Project 30x 0.61977.
gnomAD v4.1: 94,951 of 151,840 alleles (63%); highest among the groups gnomAD compares: African/African-American, 75%; 30,317 homozygotes.

Submission:

GeneDx
Classification: Benign. Last evaluated: 2018-06-19. Review status: criteria provided, single submitter. Criteria: GeneDx Variant Classification (06012015). Collection method: clinical testing. Allele origin: germline. Affected: yes.
Comment: This variant is considered likely benign or benign based on one or more of the following criteria: it is a conservative change, it occurs at a poorly conserved position in the protein, it is predicted to be benign by multiple in silico algorithms, and/or has population frequency not consistent with disease.